The following is an entry in ClinVar:

NM_003738.5(PTCH2):c.1670G>A (p.Arg557His)

Gene: PTCH2 (patched 2; minus strand). Cytogenetic location: 1p34.1.
Variant type: single nucleotide variant.
Coding change: c.1670G>A on transcript NM_003738.5 (MANE Select); coding-DNA position 1670, G replaced by A.
Protein change: p.Arg557His; replaces arginine 557 with histidine.
Molecular consequence: missense variant.
Genome position (GRCh38, 1-based): chr1:44,828,335, C>T on the plus strand (G>A on the coding strand, the complement: PTCH2 is on the minus strand). VCF-style: chr1-44828335-C-T. GRCh37 (hg19) VCF-style: chr1-45294007-C-T.
Other names: c.1670G>A, p.Arg557His (NM_001166292.2); short protein forms R557H.
Identifiers: ClinVar variation 2907237 (VCV002907237.4), dbSNP rs760056267, ClinGen allele CA823213.

ClinVar aggregate classification (germline): Uncertain significance. Review status: criteria provided, multiple submitters, no conflicts (2 of 4 stars). 2 submissions from 2 submitters: Uncertain significance (2). Last evaluated 2025-07-31.

Conditions:
Medulloblastoma (MDB). Also called: Medulloblastoma, somatic; MEDULLOBLASTOMA PREDISPOSITION SYNDROME. Identifiers: Orphanet 616, MedGen C0025149, MeSH D008527, MONDO:0007959, OMIM 155255, HP:0002885.
Basal cell carcinoma, susceptibility to, 1. Also called: BCC1. Identifiers: MedGen C2751544, MONDO:0011556, OMIM 605462.
Gorlin syndrome. Also called: Basal cell nevus syndrome; Nevoid Basal Cell Carcinoma Syndrome. Identifiers: Orphanet 377, MedGen C0004779, MONDO:0007187.

Allele frequency attached by ClinVar (database versions not stated): ExAC 0.00001; gnomAD 0.00001; gnomAD exomes 0.00001; TOPMed 0.00001.

Submissions (2):

Labcorp Genetics (formerly Invitae), Labcorp
Classification: Uncertain significance for Gorlin syndrome. Last evaluated: 2025-07-31. Review status: criteria provided, single submitter. Criteria: Invitae Variant Classification Sherloc (09022015). Collection method: clinical testing. Allele origin: germline.
Comment: This sequence change replaces arginine, which is basic and polar, with histidine, which is basic and polar, at codon 557 of the PTCH2 protein (p.Arg557His). This variant is present in population databases (rs760056267, gnomAD 0.01%). This missense change has been observed in individual(s) with cleft lip (PMID: 38360123). ClinVar contains an entry for this variant (Variation ID: 2907237). Invitae Evidence Modeling of protein sequence and biophysical properties (such as structural, functional, and spatial information, amino acid conservation, physicochemical variation, residue mobility, and thermodynamic stability) has been performed for this missense variant. However, the output from this modeling did not meet the statistical confidence thresholds required to predict the impact of this variant on PTCH2 protein function. In summary, the available evidence is currently insufficient to determine the role of this variant in disease. Therefore, it has been classified as a Variant of Uncertain Significance.

Fulgent Genetics
Classification: Uncertain significance for Medulloblastoma; Basal cell carcinoma, susceptibility to, 1. Last evaluated: 2024-04-02. Review status: criteria provided, single submitter. Criteria: ACMG Guidelines, 2015. Collection method: clinical testing. Allele origin: germline.

Literature cited by the submitters: PubMed 38360123 (cited by Labcorp Genetics (formerly Invitae), Labcorp).